The following is an entry in ClinVar:

ClinVar aggregate classification (germline): Pathogenic/Likely pathogenic. Review status: criteria provided, multiple submitters, no conflicts (2 of 4 stars). 2 submissions from 2 submitters: Pathogenic (1); Likely pathogenic (1). Last evaluated 2022-04-02.

Conditions:
Fanconi anemia complementation group A (FANCA). Also called: Fanconi anemia, group A; FANCA-Related Fanconi Anemia. Identifiers: Orphanet 84, MedGen C3469521, MONDO:0009215, OMIM 227650.
Fanconi anemia (FA). Also called: Fanconi's anemia. Identifiers: Orphanet 84, MedGen C0015625, MeSH D005199, MONDO:0019391.

Submissions (2):

Fulgent Genetics
Classification: Likely pathogenic for Fanconi anemia complementation group A. Last evaluated: 2022-04-02. Review status: criteria provided, single submitter. Criteria: ACMG Guidelines, 2015. Collection method: clinical testing. Allele origin: unknown.

Labcorp Genetics (formerly Invitae), Labcorp
Classification: Pathogenic for Fanconi anemia. Last evaluated: 2021-04-14. Review status: criteria provided, single submitter. Criteria: Invitae Variant Classification Sherloc (09022015). Collection method: clinical testing. Allele origin: germline.
Comment: This sequence change creates a premature translational stop signal (p.Ser668Glnfs*4) in the FANCA gene. It is expected to result in an absent or disrupted protein product. Loss-of-function variants in FANCA are known to be pathogenic (PMID: 19367192). This variant is not present in population databases (ExAC no frequency). This variant has not been reported in the literature in individuals with FANCA-related conditions. For these reasons, this variant has been classified as Pathogenic.

Literature cited by the submitters: PubMed 19367192 (cited by Labcorp Genetics (formerly Invitae), Labcorp).

NM_000135.4(FANCA):c.2001dup (p.Ser668fs)

Gene: FANCA (FA complementation group A; minus strand). Cytogenetic location: 16q24.3.
Variant type: Duplication.
Coding change: c.2001dup on transcript NM_000135.4 (MANE Select); coding-DNA position 2001, one base duplicated (C; older notation c.2001dupC).
Protein change: p.Ser668fs; shifts the reading frame from serine 668.
Molecular consequence: frameshift variant.
Genome position (GRCh38, 1-based): chr16:89,773,284, G duplicated on the plus strand (C on the coding strand, the reverse complement: FANCA is on the minus strand); the first of 4 consecutive G bases (chr16:89,773,284-89,773,287); duplicating any one gives the same sequence. VCF-style (leftmost placement, unchanged base first): chr16-89773283-T-TG. GRCh37 (hg19) VCF-style: chr16-89839691-T-TG.
Other names: c.2001dup, p.Ser668fs (NM_001286167.3); short protein forms S668fs.
Identifiers: ClinVar variation 1413965 (VCV001413965.7), dbSNP rs2143366568, ClinGen allele CA2573152881.